The following is an entry in ClinVar:

NM_001040142.2(SCN2A):c.1417G>C (p.Asp473His)

Gene: SCN2A (sodium voltage-gated channel alpha subunit 2; plus strand). Cytogenetic location: 2q24.3.
Variant type: single nucleotide variant.
Coding change: c.1417G>C on transcript NM_001040142.2 (MANE Select); coding-DNA position 1417, G replaced by C.
Protein change: p.Asp473His; replaces aspartic acid 473 with histidine.
Molecular consequence: missense variant.
Genome position (GRCh38, 1-based): chr2:165,315,504, G>C. VCF-style: chr2-165315504-G-C. GRCh37 (hg19) VCF-style: chr2-166172014-G-C.
Other names: c.1417G>C, p.Asp473His (NM_001040143.2, NM_001371246.1, NM_001371247.1 and 1 more transcripts); short protein forms D473H.
Identifiers: ClinVar variation 1806612 (VCV001806612.2), dbSNP rs770000484, ClinGen allele CA1939823.
Genomic context (GRCh38, chr2:165,315,504, plus strand): 5'-ACTTCCACATACTTTGCGCCCTTCTAGGCGGCAGCTGCAGCCGCATCTGCTGAATCAAGA[G>C]ACTTCAGTGGTGCTGGTGGGATAGGAGTTTTTTCAGAGAGTTCTTCAGTAGCATCTAAGT-3'
Protein context (NP_001035232.1, residues 463-483): AAAAASAESR[Asp473His]FSGAGGIGVF

ClinVar aggregate classification (germline): Uncertain significance. Review status: criteria provided, multiple submitters, no conflicts (2 of 4 stars). 2 submissions from 2 submitters: Uncertain significance (2). Last evaluated 2025-09-24.

Conditions:
Developmental and epileptic encephalopathy, 11 (DEE11). Also called: Early infantile epileptic encephalopathy 11. Identifiers: Orphanet 1934, MedGen C3150987, MONDO:0013388, OMIM 613721.
Seizures, benign familial infantile, 3 (BFIS3). Also called: CONVULSIONS, BENIGN FAMILIAL INFANTILE, 3; Familial neonatal seizures. Identifiers: Orphanet 140927, Orphanet 306, MedGen C1843140, MONDO:0011904, OMIM 607745.

Allele frequency attached by ClinVar (database versions not stated): gnomAD 0.00001; ExAC 0.00007.
gnomAD v4.1: 36 of 1,613,824 alleles (0.0022%); highest among the groups gnomAD compares: South Asian, 0.04%; no homozygotes.

Submissions (2):

Labcorp Genetics (formerly Invitae), Labcorp
Classification: Uncertain significance for Seizures, benign familial infantile, 3; Developmental and epileptic encephalopathy, 11. Last evaluated: 2025-09-24. Review status: criteria provided, single submitter. Criteria: Invitae Variant Classification Sherloc (09022015). Collection method: clinical testing. Allele origin: germline.
Comment: This sequence change replaces aspartic acid, which is acidic and polar, with histidine, which is basic and polar, at codon 473 of the SCN2A protein (p.Asp473His). This variant is present in population databases (rs770000484, gnomAD 0.04%). This variant has not been reported in the literature in individuals affected with SCN2A-related conditions. ClinVar contains an entry for this variant (Variation ID: 1806612). Invitae Evidence Modeling of protein sequence and biophysical properties (such as structural, functional, and spatial information, amino acid conservation, physicochemical variation, residue mobility, and thermodynamic stability) has been performed for this missense variant. However, the output from this modeling did not meet the statistical confidence thresholds required to predict the impact of this variant on SCN2A protein function. In summary, the available evidence is currently insufficient to determine the role of this variant in disease. Therefore, it has been classified as a Variant of Uncertain Significance.

GeneDx
Classification: Uncertain significance. Last evaluated: 2022-12-14. Review status: criteria provided, single submitter. Criteria: GeneDx Variant Classification Process June 2021. Collection method: clinical testing. Allele origin: germline. Affected: yes.
Comment: Missense variants in this gene are often considered pathogenic (HGMD); In silico analysis supports that this missense variant has a deleterious effect on protein structure/function; Has not been previously published as pathogenic or benign to our knowledge; This substitution is predicted to be in the cytoplasmic loop between the first and second homologous domains